The following is an entry in ClinVar:

NM_025103.4(IFT74):c.1102A>G (p.Met368Val)

Gene: IFT74 (intraflagellar transport 74; plus strand). Cytogenetic location: 9p21.2.
Variant type: single nucleotide variant.
Coding change: c.1102A>G on transcript NM_025103.4 (MANE Select); coding-DNA position 1102, A replaced by G.
Protein change: p.Met368Val; replaces methionine 368 with valine.
Molecular consequence: missense variant.
Genome position (GRCh38, 1-based): chr9:27,044,789, A>G. VCF-style: chr9-27044789-A-G. GRCh37 (hg19) VCF-style: chr9-27044787-A-G.
Other names: c.1102A>G, p.Met368Val (NM_001099222.3, NM_001099223.3, NM_001349928.2); short protein forms M368V.
Identifiers: ClinVar variation 1465918 (VCV001465918.4), dbSNP rs1327165551, ClinGen allele CA373124373.

ClinVar aggregate classification (germline): Uncertain significance (1 of 4 stars; one submission).

Allele frequency attached by ClinVar (database versions not stated): gnomAD exomes below 0.00001.
gnomAD v4.1: 4 of 1,519,170 alleles (0.00026%); highest among the groups gnomAD compares: East Asian, 0.0023%; no homozygotes.

Submission:

Labcorp Genetics (formerly Invitae), Labcorp
Classification: Uncertain significance. Last evaluated: 2021-10-20. Review status: criteria provided, single submitter. Criteria: Invitae Variant Classification Sherloc (09022015). Collection method: clinical testing. Allele origin: germline.
Comment: In summary, the available evidence is currently insufficient to determine the role of this variant in disease. Therefore, it has been classified as a Variant of Uncertain Significance. Algorithms developed to predict the effect of missense changes on protein structure and function are either unavailable or do not agree on the potential impact of this missense change (SIFT: "Deleterious"; PolyPhen-2: "Possibly Damaging"; Align-GVGD: "Class C0"). This variant has not been reported in the literature in individuals affected with IFT74-related conditions. This variant is not present in population databases (ExAC no frequency). This sequence change replaces methionine with valine at codon 368 of the IFT74 protein (p.Met368Val). The methionine residue is highly conserved and there is a small physicochemical difference between methionine and valine.